The following is an entry in ClinVar:

ClinVar aggregate classification (germline): Uncertain significance (1 of 4 stars; one submission).

Conditions:
Developmental and epileptic encephalopathy, 11 (DEE11). Also called: Early infantile epileptic encephalopathy 11. Identifiers: Orphanet 1934, MedGen C3150987, MONDO:0013388, OMIM 613721.
Seizures, benign familial infantile, 3 (BFIS3). Also called: CONVULSIONS, BENIGN FAMILIAL INFANTILE, 3; Familial neonatal seizures. Identifiers: Orphanet 140927, Orphanet 306, MedGen C1843140, MONDO:0011904, OMIM 607745.

Submission:

Labcorp Genetics (formerly Invitae), Labcorp
Classification: Uncertain significance for Seizures, benign familial infantile, 3; Developmental and epileptic encephalopathy, 11. Last evaluated: 2025-01-23. Review status: criteria provided, single submitter. Criteria: Invitae Variant Classification Sherloc (09022015). Collection method: clinical testing. Allele origin: germline.
Comment: This sequence change replaces valine, which is neutral and non-polar, with glycine, which is neutral and non-polar, at codon 790 of the SCN2A protein (p.Val790Gly). This variant is not present in population databases (gnomAD no frequency). This variant has not been reported in the literature in individuals affected with SCN2A-related conditions. Invitae Evidence Modeling of protein sequence and biophysical properties (such as structural, functional, and spatial information, amino acid conservation, physicochemical variation, residue mobility, and thermodynamic stability) indicates that this missense variant is expected to disrupt SCN2A protein function with a positive predictive value of 95%. In summary, the available evidence is currently insufficient to determine the role of this variant in disease. Therefore, it has been classified as a Variant of Uncertain Significance.

NM_001040142.2(SCN2A):c.2369T>G (p.Val790Gly)

Gene: SCN2A (sodium voltage-gated channel alpha subunit 2; plus strand). Cytogenetic location: 2q24.3.
Variant type: single nucleotide variant.
Coding change: c.2369T>G on transcript NM_001040142.2 (MANE Select); coding-DNA position 2369, T replaced by G.
Protein change: p.Val790Gly; replaces valine 790 with glycine.
Molecular consequence: missense variant.
Genome position (GRCh38, 1-based): chr2:165,331,549, T>G. VCF-style: chr2-165331549-T-G. GRCh37 (hg19) VCF-style: chr2-166188059-T-G.
Other names: c.2369T>G, p.Val790Gly (NM_001040143.2, NM_001371246.1, NM_001371247.1 and 1 more transcripts); short protein forms V790G.
Identifiers: ClinVar variation 3753659 (VCV003753659.2).